The following is an entry in ClinVar:

NM_022437.3(ABCG8):c.1955G>T (p.Gly652Val)

Gene: ABCG8 (ATP binding cassette subfamily G member 8; plus strand). Cytogenetic location: 2p21.
Variant type: single nucleotide variant.
Coding change: c.1955G>T on transcript NM_022437.3 (MANE Select); coding-DNA position 1955, G replaced by T.
Protein change: p.Gly652Val; replaces glycine 652 with valine.
Molecular consequence: missense variant.
Genome position (GRCh38, 1-based): chr2:43,877,846, G>T. VCF-style: chr2-43877846-G-T. GRCh37 (hg19) VCF-style: chr2-44104985-G-T.
Other names: c.1952G>T, p.Gly651Val (NM_001357321.2); short protein forms G652V, G651V.
Identifiers: ClinVar variation 3992633 (VCV003992633.1).

ClinVar aggregate classification (germline): Uncertain significance (1 of 4 stars; one submission).

Conditions:
Cardiovascular phenotype. Identifiers: MedGen CN230736.

gnomAD v4.1: 4 of 1,613,990 alleles (0.00025%); highest among the groups gnomAD compares: African/African-American, 0.0013%; no homozygotes.

Submission:

Ambry Genetics
Classification: Uncertain significance for Cardiovascular phenotype. Last evaluated: 2025-04-12. Review status: criteria provided, single submitter. Criteria: Ambry Variant Classification Scheme 2023. Collection method: clinical testing. Allele origin: germline.
Comment: The p.G652V variant (also known as c.1955G>T), located in coding exon 13 of the ABCG8 gene, results from a G to T substitution at nucleotide position 1955. The glycine at codon 652 is replaced by valine, an amino acid with dissimilar properties. This amino acid position is conserved. In addition, this alteration is predicted to be tolerated by in silico analysis. Based on the available evidence, the clinical significance of this variant remains unclear.